The following is an entry in ClinVar:

NM_014672.4(PRORP):c.-1A>G

Genes: PRORP (protein only RNase P catalytic subunit; plus strand), PRORP-PSMA6 (PRORP-PSMA6 readthrough; plus strand). Cytogenetic location: 14q13.2.
Variant type: single nucleotide variant.
Coding change: c.-1A>G on transcript NM_014672.4 (MANE Select); 1 bases upstream of the start codon, A replaced by G.
Molecular consequence: 5 prime UTR variant. On other transcripts: non-coding transcript variant (4), intron variant (3).
Genome position (GRCh38, 1-based): chr14:35,123,245, A>G. VCF-style: chr14-35123245-A-G. GRCh37 (hg19) VCF-style: chr14-35592451-A-G.
Other names: c.-1A>G (NM_001256678.2, NM_001414503.1); c.-131+335A>G (NM_001256680.2); c.-83+335A>G (NM_001256681.2); c.-26-260A>G (NM_001256679.2).
Identifiers: ClinVar variation 4822155 (VCV004822155.4).

ClinVar aggregate classification (germline): Uncertain significance (1 of 4 stars; one submission).

Submission:

CeGaT Center for Human Genetics Tuebingen
Classification: Uncertain significance. Last evaluated: 2026-03-01. Review status: criteria provided, single submitter. Criteria: CeGaT Center For Human Genetics Tuebingen Variant Classification Criteria Version 2. Collection method: clinical testing. Allele origin: germline. Affected: yes. Observed: 1 variant allele.
Comment: PRORP: PM2, BP4